The following is an entry in ClinVar:

ClinVar aggregate classification (germline): Uncertain significance (1 of 4 stars; one submission).

Submission:

Labcorp Genetics (formerly Invitae), Labcorp
Classification: Uncertain significance. Last evaluated: 2026-01-07. Review status: criteria provided, single submitter. Criteria: Invitae Variant Classification Sherloc (09022015). Collection method: clinical testing. Allele origin: germline.
Comment: This sequence change creates a premature translational stop signal (p.Leu263*) in the ACVR1 gene. It is expected to result in an absent or disrupted protein product. However, the current clinical and genetic evidence is not sufficient to establish whether loss-of-function variants in ACVR1 cause disease. This variant is not present in population databases (gnomAD no frequency). This variant has not been reported in the literature in individuals affected with ACVR1-related conditions. In summary, the available evidence is currently insufficient to determine the role of this variant in disease. Therefore, it has been classified as a Variant of Uncertain Significance.

NM_001111067.4(ACVR1):c.786del (p.Ile262_Leu263insTer)

Gene: ACVR1 (activin A receptor type 1; minus strand). Cytogenetic location: 2q24.1.
Variant type: Deletion.
Coding change: c.786del on transcript NM_001111067.4 (MANE Select); coding-DNA position 786, one base deleted (C; older notation c.786delC).
Protein change: p.Ile262_Leu263insTer.
Molecular consequence: frameshift variant.
Genome position (GRCh38, 1-based): chr2:157,770,372, G deleted on the plus strand (C on the coding strand, the reverse complement: ACVR1 is on the minus strand). VCF-style (leftmost placement, unchanged base first): chr2-157770371-AG-A. GRCh37 (hg19) VCF-style: chr2-158626883-AG-A.
Other names: c.786del, p.Ile262_Leu263insTer (NM_001105.5, NM_001347663.1, NM_001347664.1 and 3 more transcripts).
Identifiers: ClinVar variation 4734906 (VCV004734906.1).